The following is an entry in ClinVar:

ClinVar aggregate classification (germline): Pathogenic (1 of 4 stars; one submission).

Conditions:
Neurofibromatosis, type 1 (NF1). Also called: VON RECKLINGHAUSEN DISEASE; Peripheral type neurofibromatosis; NEUROFIBROMATOSIS, TYPE I, SOMATIC; Neurofibromatosis, type I. Identifiers: Orphanet 636, MedGen C0027831, MONDO:0018975, OMIM 162200. Disease mechanism: loss of function.

Submission:

Labcorp Genetics (formerly Invitae), Labcorp
Classification: Pathogenic for Neurofibromatosis, type 1. Last evaluated: 2025-04-28. Review status: criteria provided, single submitter. Criteria: Invitae Variant Classification Sherloc (09022015). Collection method: clinical testing. Allele origin: germline.
Comment: This sequence change creates a premature translational stop signal (p.Lys1704*) in the NF1 gene. It is expected to result in an absent or disrupted protein product. Loss-of-function variants in NF1 are known to be pathogenic (PMID: 10712197, 23913538). This variant is not present in population databases (gnomAD no frequency). This premature translational stop signal has been observed in individual(s) with neurofibromatosis, type 1 (PMID: 25788518). Algorithms developed to predict the effect of variants on gene product structure and function are not available or were not evaluated for this variant. Experimental studies have shown that this premature translational stop signal affects NF1 function (PMID: 25788518). Algorithms developed to predict the effect of sequence changes on RNA splicing suggest that this variant may disrupt the consensus splice site. For these reasons, this variant has been classified as Pathogenic.

Literature cited by the submitters: PubMed 10712197; PubMed 23913538; PubMed 25788518.

NM_001042492.3(NF1):c.5173A>T (p.Lys1725Ter)

Gene: NF1 (neurofibromin 1; plus strand). Cytogenetic location: 17q11.2.
Variant type: single nucleotide variant.
Coding change: c.5173A>T on transcript NM_001042492.3 (MANE Select); coding-DNA position 5173, A replaced by T.
Protein change: p.Lys1725Ter; replaces lysine 1725 with a stop codon.
Molecular consequence: nonsense.
Genome position (GRCh38, 1-based): chr17:31,326,157, A>T. VCF-style: chr17-31326157-A-T. GRCh37 (hg19) VCF-style: chr17-29653175-A-T.
Other names: c.5110A>T, p.Lys1704Ter (NM_000267.4); short protein forms K1704*, K1725*.
Identifiers: ClinVar variation 4710358 (VCV004710358.1).